The following is an entry in ClinVar:

NM_000088.4(COL1A1):c.2451+1G>T

Gene: COL1A1 (collagen type I alpha 1 chain; minus strand). Cytogenetic location: 17q21.33.
Variant type: single nucleotide variant.
Coding change: c.2451+1G>T on transcript NM_000088.4 (MANE Select); the canonical splice donor site of the intron after coding-DNA position 2451, G replaced by T.
Molecular consequence: splice donor variant.
Genome position (GRCh38, 1-based): chr17:50,190,326, C>A on the plus strand (G>T on the coding strand, the complement: COL1A1 is on the minus strand). VCF-style: chr17-50190326-C-A. GRCh37 (hg19) VCF-style: chr17-48267687-C-A.
Identifiers: ClinVar variation 3766542 (VCV003766542.1).

ClinVar aggregate classification (germline): Pathogenic (1 of 4 stars; one submission).

Submission:

ARUP Laboratories, Molecular Genetics and Genomics, ARUP Laboratories
Classification: Pathogenic. Last evaluated: 2024-04-03. Review status: criteria provided, single submitter. Criteria: ARUP Molecular Germline Variant Investigation Process 2024. Collection method: clinical testing. Allele origin: germline.
Comment: The COL1A1 c.2451+1G>T variant is reported in the literature in multiple individuals affected with osteogenesis imperfecta type I (Schleit 2015). This variant is absent from the Genome Aggregation Database (v2.1.1), indicating it is not a common polymorphism. Additionally, other variants affecting the same splice donor site (c.2451+1G>A, c.2451+2T>G, c.2451+5G>A) have been reported in individuals with osteogenesis imperfecta (Schleit 2015). This variant disrupts the canonical splice donor site of intron 35, which is likely to negatively impact gene function. Based on available information, this variant is considered to be pathogenic. References: Schleit J et al. Molecular Outcome, Prediction, and Clinical Consequences of Splice Variants in COL1A1, Which Encodes the proa1(I) Chains of Type I Procollagen. Hum Mutat. 2015 Jul;36(7):728-39. PMID: 25963598.